The following is an entry in ClinVar:

ClinVar aggregate classification (germline): Uncertain significance (1 of 4 stars; one submission).

Conditions:
Hereditary cancer-predisposing syndrome. Also called: Tumor predisposition; Hereditary Cancer Syndrome; Hereditary neoplastic syndrome; Neoplastic Syndromes, Hereditary. Identifiers: Orphanet 140162, MedGen C0027672, MeSH D009386, MONDO:0015356.

Submission:

Ambry Genetics
Classification: Uncertain significance for Hereditary cancer-predisposing syndrome. Last evaluated: 2024-06-10. Review status: criteria provided, single submitter. Criteria: Ambry Variant Classification Scheme 2023. Collection method: clinical testing. Allele origin: germline.
Comment: The p.L9H variant (also known as c.26T>A), located in coding exon 1 of the ALK gene, results from a T to A substitution at nucleotide position 26. The leucine at codon 9 is replaced by histidine, an amino acid with similar properties. This amino acid position is conserved. In addition, the in silico prediction for this alteration is inconclusive. Based on the available evidence, the clinical significance of this variant remains unclear.

NM_004304.5(ALK):c.26T>A (p.Leu9His)

Gene: ALK (ALK receptor tyrosine kinase; minus strand). Cytogenetic location: 2p23.1.
Variant type: single nucleotide variant.
Coding change: c.26T>A on transcript NM_004304.5 (MANE Select); coding-DNA position 26, T replaced by A.
Protein change: p.Leu9His; replaces leucine 9 with histidine.
Molecular consequence: missense variant.
Genome position (GRCh38, 1-based): chr2:29,920,634, A>T on the plus strand (T>A on the coding strand, the complement: ALK is on the minus strand). VCF-style: chr2-29920634-A-T. GRCh37 (hg19) VCF-style: chr2-30143500-A-T.
Other names: short protein forms L9H.
Identifiers: ClinVar variation 3286465 (VCV003286465.1).